The following is an entry in ClinVar:

ClinVar aggregate classification (germline): Uncertain significance (1 of 4 stars; one submission).

gnomAD v4.1: 1 of 1,614,144 alleles (0.000062%); highest among the groups gnomAD compares: Non-Finnish European, 0.000085%; no homozygotes.

Submission:

Labcorp Genetics (formerly Invitae), Labcorp
Classification: Uncertain significance. Last evaluated: 2021-09-24. Review status: criteria provided, single submitter. Criteria: Invitae Variant Classification Sherloc (09022015). Collection method: clinical testing. Allele origin: germline.
Comment: This sequence change replaces aspartic acid with glutamic acid at codon 55 of the CLRN1 protein (p.Asp55Glu). The aspartic acid residue is moderately conserved and there is a small physicochemical difference between aspartic acid and glutamic acid. This variant is not present in population databases (ExAC no frequency). This variant has not been reported in the literature in individuals with CLRN1-related conditions. Algorithms developed to predict the effect of missense changes on protein structure and function output the following: SIFT: "Tolerated"; PolyPhen-2: "Benign"; Align-GVGD: "Class C0". The glutamic acid amino acid residue is found in multiple mammalian species, suggesting that this missense change does not adversely affect protein function. These predictions have not been confirmed by published functional studies and their clinical significance is uncertain. In summary, the available evidence is currently insufficient to determine the role of this variant in disease. Therefore, it has been classified as a Variant of Uncertain Significance.

NM_174878.3(CLRN1):c.165C>A (p.Asp55Glu)

Gene: CLRN1 (clarin 1; minus strand). Cytogenetic location: 3q25.1.
Variant type: single nucleotide variant.
Coding change: c.165C>A on transcript NM_174878.3 (MANE Select); coding-DNA position 165, C replaced by A.
Protein change: p.Asp55Glu; replaces aspartic acid 55 with glutamic acid.
Molecular consequence: missense variant. On other transcripts: non-coding transcript variant (1).
Genome position (GRCh38, 1-based): chr3:150,972,544, G>T on the plus strand (C>A on the coding strand, the complement: CLRN1 is on the minus strand). VCF-style: chr3-150972544-G-T. GRCh37 (hg19) VCF-style: chr3-150690331-G-T.
Other names: c.165C>A, p.Asp55Glu (NM_001195794.1, NM_001256819.2); short protein forms D55E.
Identifiers: ClinVar variation 1441971 (VCV001441971.5), dbSNP rs182614686, ClinGen allele CA355011925.
Genomic context (GRCh38, chr3:150,972,544, plus strand): 5'-CCCACACTGCCTCACACCCTCTCCGTGGAAAAGCCCGTACTGCATTTCACCCATAAACTT[G>T]TCCAGCTCCTGCCCTGAGGCATTGACGAGCAGAGCTCCCGTTTTGCAGAGGACAGTGGCT-3'
Protein context (NP_777367.1, residues 45-65): LLVNASGQEL[Asp55Glu]KFMGEMQYGL